The following is an entry in ClinVar:

NM_004082.5(DCTN1):c.3365C>T (p.Ser1122Phe)

Gene: DCTN1 (dynactin subunit 1; minus strand). Cytogenetic location: 2p13.1.
Variant type: single nucleotide variant.
Coding change: c.3365C>T on transcript NM_004082.5 (MANE Select); coding-DNA position 3365, C replaced by T.
Protein change: p.Ser1122Phe; replaces serine 1122 with phenylalanine.
Molecular consequence: missense variant. On other transcripts: non-coding transcript variant (1).
Genome position (GRCh38, 1-based): chr2:74,363,158, G>A on the plus strand (C>T on the coding strand, the complement: DCTN1 is on the minus strand). VCF-style: chr2-74363158-G-A. GRCh37 (hg19) VCF-style: chr2-74590285-G-A.
Other names: c.3239C>T, p.Ser1080Phe (NM_001190836.2); c.3344C>T, p.Ser1115Phe (NM_001190837.2); c.3314C>T, p.Ser1105Phe (NM_001378991.1); c.3296C>T, p.Ser1099Phe (NM_001378992.1); c.2963C>T, p.Ser988Phe (NM_023019.4); c.2948C>T, p.Ser983Phe (NM_001135041.3); c.3290C>T, p.Ser1097Phe (NM_001135040.3); short protein forms S1080F, S1115F, S1097F, S1099F, S1105F, S983F, S988F, S1122F.
Identifiers: ClinVar variation 3500180 (VCV003500180.2).

ClinVar aggregate classification (germline): Uncertain significance. Review status: criteria provided, multiple submitters, no conflicts (2 of 4 stars). 2 submissions from 2 submitters: Uncertain significance (2). Last evaluated 2025-07-04.

Conditions:
Amyotrophic lateral sclerosis type 1 (ALS1). Also called: AMYOTROPHIC LATERAL SCLEROSIS 1, FAMILIAL. Identifiers: Orphanet 803, MedGen C1862939, MONDO:0007103, OMIM 105400.
Neuronopathy, distal hereditary motor, type 7B. Also called: NEURONOPATHY, DISTAL HEREDITARY MOTOR, AUTOSOMAL DOMINANT 14; NEURONOPATHY, DISTAL HEREDITARY MOTOR, HARDING TYPE VIIB; NEUROPATHY, DISTAL HEREDITARY MOTOR, HARDING TYPE VIIB; NEUROPATHY, DISTAL HEREDITARY MOTOR, WITH VOCAL CORD PARALYSIS, HARDING TYPE VIIB; Distal Hereditary Motor Neuronopathy Type 7B (dHMN7B); HMN VIIB. Identifiers: Orphanet 139589, MedGen C1843315, MONDO:0011879, OMIM 607641.
Perry syndrome. Also called: PARKINSONISM WITH ALVEOLAR HYPOVENTILATION AND MENTAL DEPRESSION. Identifiers: Orphanet 178509, MedGen C1868594, MONDO:0008201, OMIM 168605.
Inborn genetic diseases. Identifiers: MedGen C0950123, MeSH D030342.

Submissions (2):

Labcorp Genetics (formerly Invitae), Labcorp
Classification: Uncertain significance for Amyotrophic lateral sclerosis type 1; Neuronopathy, distal hereditary motor, type 7B; Perry syndrome. Last evaluated: 2025-07-04. Review status: criteria provided, single submitter. Criteria: Invitae Variant Classification Sherloc (09022015). Collection method: clinical testing. Allele origin: germline.
Comment: This sequence change replaces serine, which is neutral and polar, with phenylalanine, which is neutral and non-polar, at codon 1122 of the DCTN1 protein (p.Ser1122Phe). This variant is not present in population databases (gnomAD no frequency). This variant has not been reported in the literature in individuals affected with DCTN1-related conditions. ClinVar contains an entry for this variant (Variation ID: 3500180). Invitae Evidence Modeling of protein sequence and biophysical properties (such as structural, functional, and spatial information, amino acid conservation, physicochemical variation, residue mobility, and thermodynamic stability) indicates that this missense variant is not expected to disrupt DCTN1 protein function with a negative predictive value of 95%. In summary, the available evidence is currently insufficient to determine the role of this variant in disease. Therefore, it has been classified as a Variant of Uncertain Significance.

Ambry Genetics
Classification: Uncertain significance for Inborn genetic diseases. Last evaluated: 2024-12-04. Review status: criteria provided, single submitter. Criteria: Ambry Variant Classification Scheme 2023. Collection method: clinical testing. Allele origin: germline.